The following is an entry in ClinVar:

ClinVar aggregate classification (germline): Uncertain significance. Review status: criteria provided, multiple submitters, no conflicts (2 of 4 stars). 2 submissions from 2 submitters: Uncertain significance (2). Last evaluated 2024-07-29.

Conditions:
Surfactant metabolism dysfunction, pulmonary, 4 (SMDP4). Also called: PAP DUE TO CSF2RA DEFICIENCY; PULMONARY ALVEOLAR PROTEINOSIS, CONGENITAL, 4; CSF2RA DEFICIENCY. Identifiers: Orphanet 264675, MedGen C2677877, MONDO:0010424, OMIM 300770.

Allele frequency attached by ClinVar (database versions not stated): ExAC 0.00002; gnomAD 0.00002 and 0.00003; gnomAD exomes 0.00002; TOPMed 0.00007; 1000 Genomes Project 0.00026; 1000 Genomes Project 30x 0.00042.

Submissions (2):

Blueprint Genetics
Classification: Uncertain significance. Last evaluated: 2024-07-29. Review status: criteria provided, single submitter. Criteria: ACMG Guidelines, 2015. Collection method: clinical testing. Allele origin: germline.

Labcorp Genetics (formerly Invitae), Labcorp
Classification: Uncertain significance for Surfactant metabolism dysfunction, pulmonary, 4. Last evaluated: 2023-10-03. Review status: criteria provided, single submitter. Criteria: Invitae Variant Classification Sherloc (09022015). Collection method: clinical testing. Allele origin: germline.
Comment: This sequence change replaces proline, which is neutral and non-polar, with leucine, which is neutral and non-polar, at codon 240 of the CSF2RA protein (p.Pro240Leu). This variant is present in population databases (no rsID available, gnomAD 0.004%). This variant has not been reported in the literature in individuals affected with CSF2RA-related conditions. ClinVar contains an entry for this variant (Variation ID: 1050959). Advanced modeling of protein sequence and biophysical properties (such as structural, functional, and spatial information, amino acid conservation, physicochemical variation, residue mobility, and thermodynamic stability) performed at Invitae indicates that this missense variant is expected to disrupt CSF2RA protein function. In summary, the available evidence is currently insufficient to determine the role of this variant in disease. Therefore, it has been classified as a Variant of Uncertain Significance.

NM_172245.4(CSF2RA):c.719C>T (p.Pro240Leu)

Gene: CSF2RA (colony stimulating factor 2 receptor subunit alpha; plus strand). Cytogenetic location: Xp22.33.
Variant type: single nucleotide variant.
Coding change: c.719C>T on transcript NM_172245.4 (MANE Select); coding-DNA position 719, C replaced by T.
Protein change: p.Pro240Leu; replaces proline 240 with leucine.
Molecular consequence: missense variant. On other transcripts: non-coding transcript variant (1), intron variant (1).
Genome position (GRCh38, 1-based): chrX:1,294,400, C>T. VCF-style: chrX-1294400-C-T. GRCh37 (hg19) VCF-style: chrX-1413293-C-T.
Other names: c.719C>T, p.Pro240Leu (NM_001161529.2, NM_001161530.2, NM_001161531.2 and 18 more transcripts); c.320C>T, p.Pro107Leu (NM_001161532.2); c.700C>T, p.Pro234Ser (NM_001379166.1); c.646+3891C>T (NM_172249.4); short protein forms P107L, P234S, P240L.
Identifiers: ClinVar variation 1050959 (VCV001050959.9), dbSNP rs762456506, ClinGen allele CA10330963.